The following is an entry in ClinVar:

GRCh38/hg38 9q34.3(chr9:137778047-137818152)x1

Genes: EHMT1 (euchromatic histone lysine methyltransferase 1; plus strand), LOC130003149 (ATAC-STARR-seq lymphoblastoid active region 29370; plus strand), LOC130003150 (ATAC-STARR-seq lymphoblastoid active region 29371; plus strand), LOC651337 (uncharacterized LOC651337; minus strand). Cytogenetic location: 9q34.3.
Variant type: copy number loss.
Change: copy number 1 (one copy instead of two) of chr9:137,778,047-137,818,152 (40.1 kb, GRCh38 coordinates, 1-based), cytogenetic band 9q34.3.
Identifiers: ClinVar variation 57197 (VCV000057197.1).

ClinVar aggregate classification (germline): Pathogenic (1 of 4 stars; one submission).

Submission:

ISCA site 4
Classification: Pathogenic. Last evaluated: 2011-08-12. Review status: criteria provided, single submitter. Criteria: Kaminsky et al. (Genet Med. 2011). Collection method: clinical testing. Allele origin: de novo. Affected: yes. Observed: 1 variant allele.
Comment: Copy number variation identified through the course of routine clinical cytogenomic testing in postnatal populations. Clinical assertions have been curated as described in Kaminsky et al. 2011.